The following is an entry in ClinVar:

NM_007294.4(BRCA1):c.955A>G (p.Asn319Asp)

Gene: BRCA1 (BRCA1 DNA repair associated; minus strand). Cytogenetic location: 17q21.31.
Variant type: single nucleotide variant.
Coding change: c.955A>G on transcript NM_007294.4 (MANE Select); coding-DNA position 955, A replaced by G.
Protein change: p.Asn319Asp; replaces asparagine 319 with aspartic acid.
Molecular consequence: missense variant. On other transcripts: intron variant (137).
Genome position (GRCh38, 1-based): chr17:43,094,576, T>C on the plus strand (A>G on the coding strand, the complement: BRCA1 is on the minus strand). VCF-style: chr17-43094576-T-C. GRCh37 (hg19) VCF-style: chr17-41246593-T-C.
Other names: c.646+168A>G (NM_001408459.1, NM_001408458.1, NM_001408469.1 and 11 more transcripts); c.451+168A>G (NM_001408509.1, NM_001408508.1); c.574+168A>G (NM_001408491.1, NM_001408493.1, NM_001408490.1); c.709+168A>G (NM_001408412.1, NM_001408409.1, NM_001408414.1 and 2 more transcripts); c.460+1270A>G (NM_001408506.1, NM_001408507.1); c.583+168A>G (NM_001408475.1); c.832A>G, p.Asn278Asp (NM_001407674.1, NM_001407675.1, NM_001407676.1 and 19 more transcripts); c.955A>G, p.Asn319Asp (NM_001407684.1, NM_001407854.1, NM_001407858.1 and 30 more transcripts); and 40 more; short protein forms N272D, N319D, N207D, N230D, N231D, N251D, N271D, N278D.
Identifiers: ClinVar variation 1767376 (VCV001767376.4), dbSNP rs2154483052, ClinGen allele CA10600155.

ClinVar aggregate classification (germline): Conflicting classifications of pathogenicity. Review status: criteria provided, conflicting classifications (1 of 4 stars). 2 submissions from 2 submitters: Uncertain significance (1); Likely benign (1). Last evaluated 2023-03-23.

Conditions:
Hereditary cancer-predisposing syndrome. Also called: Hereditary Cancer Syndrome; Hereditary neoplastic syndrome; Neoplastic Syndromes, Hereditary; Tumor predisposition. Identifiers: Orphanet 140162, MedGen C0027672, MeSH D009386, MONDO:0015356.

Submissions (2):

University of Washington Department of Laboratory Medicine, University of Washington
Classification: Likely benign for Hereditary cancer-predisposing syndrome. Last evaluated: 2023-03-23. Review status: criteria provided, single submitter. Criteria: Dines et al. (Genet Med. 2020). Collection method: curation. Allele origin: germline.
Comment: Missense variant in a coldspot region where missense variants are very unlikely to be pathogenic (PMID:31911673).

BRCA1 coldspot (exon 11 using historical exon numbering). Reclassification based on statistical prior probability

Ambry Genetics
Classification: Uncertain significance for Hereditary cancer-predisposing syndrome. Last evaluated: 2022-10-21. Review status: criteria provided, single submitter. Criteria: Ambry Variant Classification Scheme 2023. Collection method: clinical testing. Allele origin: germline.
Comment: The p.N319D variant (also known as c.955A>G), located in coding exon 9 of the BRCA1 gene, results from an A to G substitution at nucleotide position 955. The asparagine at codon 319 is replaced by aspartic acid, an amino acid with highly similar properties. This amino acid position is poorly conserved in available vertebrate species. In addition, the in silico prediction for this alteration is inconclusive. Since supporting evidence is limited at this time, the clinical significance of this alteration remains unclear.